The following is an entry in ClinVar:

NM_000038.6(APC):c.6875T>C (p.Ile2292Thr)

Gene: APC (APC regulator of Wnt signaling pathway; plus strand). Cytogenetic location: 5q22.2.
Variant type: single nucleotide variant.
Coding change: c.6875T>C on transcript NM_000038.6 (MANE Select); coding-DNA position 6875, T replaced by C.
Protein change: p.Ile2292Thr; replaces isoleucine 2292 with threonine.
Molecular consequence: missense variant.
Genome position (GRCh38, 1-based): chr5:112,842,469, T>C. VCF-style: chr5-112842469-T-C. GRCh37 (hg19) VCF-style: chr5-112178166-T-C.
Other names: c.6875T>C, p.Ile2292Thr (NM_001127510.3, NM_001354895.2); c.6821T>C, p.Ile2274Thr (NM_001127511.3); c.6929T>C, p.Ile2310Thr (NM_001354896.2); c.6905T>C, p.Ile2302Thr (NM_001354897.2); c.6800T>C, p.Ile2267Thr (NM_001354898.2); c.6791T>C, p.Ile2264Thr (NM_001354899.2); c.6752T>C, p.Ile2251Thr (NM_001354900.2); c.6698T>C, p.Ile2233Thr (NM_001354901.2); and 5 more; short protein forms I2292T, I2274T, I2132T, I2251T, I2264T, I2201T, I2233T, I2009T.
Identifiers: ClinVar variation 579254 (VCV000579254.17), dbSNP rs762705847, ClinGen allele CA046347.

ClinVar aggregate classification (germline): Uncertain significance. Review status: criteria provided, multiple submitters, no conflicts (2 of 4 stars). 3 submissions from 3 submitters: Uncertain significance (3). Last evaluated 2025-05-18.

Conditions:
Hereditary cancer-predisposing syndrome. Also called: Neoplastic Syndromes, Hereditary; Tumor predisposition; Hereditary neoplastic syndrome; Hereditary Cancer Syndrome. Identifiers: Orphanet 140162, MedGen C0027672, MeSH D009386, MONDO:0015356.
Familial adenomatous polyposis 1 (FAP1). Also called: FAMILIAL ADENOMATOUS POLYPOSIS 1, ATTENUATED; POLYPOSIS, ADENOMATOUS INTESTINAL. Identifiers: MedGen C2713442, MONDO:0021056, OMIM 175100. Disease mechanism: loss of function.

Allele frequency attached by ClinVar (database versions not stated): gnomAD exomes below 0.00001 and 0.00001; ExAC 0.00001.
gnomAD v4.1: 1 of 1,613,946 alleles (0.000062%); highest among the groups gnomAD compares: South Asian, 0.0011%; no homozygotes.

Submissions (3):

Labcorp Genetics (formerly Invitae), Labcorp
Classification: Uncertain significance for Familial adenomatous polyposis 1. Last evaluated: 2025-05-18. Review status: criteria provided, single submitter. Criteria: Invitae Variant Classification Sherloc (09022015). Collection method: clinical testing. Allele origin: germline.
Comment: This sequence change replaces isoleucine, which is neutral and non-polar, with threonine, which is neutral and polar, at codon 2292 of the APC protein (p.Ile2292Thr). This variant is present in population databases (rs762705847, gnomAD 0.003%). This variant has not been reported in the literature in individuals affected with APC-related conditions. ClinVar contains an entry for this variant (Variation ID: 579254). Invitae Evidence Modeling of protein sequence and biophysical properties (such as structural, functional, and spatial information, amino acid conservation, physicochemical variation, residue mobility, and thermodynamic stability) indicates that this missense variant is not expected to disrupt APC protein function with a negative predictive value of 95%. In summary, the available evidence is currently insufficient to determine the role of this variant in disease. Therefore, it has been classified as a Variant of Uncertain Significance.

Ambry Genetics
Classification: Uncertain significance for Hereditary cancer-predisposing syndrome. Last evaluated: 2024-11-14. Review status: criteria provided, single submitter. Criteria: Ambry Variant Classification Scheme 2023. Collection method: clinical testing. Allele origin: germline.
Comment: The p.I2292T variant (also known as c.6875T>C), located in coding exon 15 of the APC gene, results from a T to C substitution at nucleotide position 6875. The isoleucine at codon 2292 is replaced by threonine, an amino acid with similar properties. This amino acid position is poorly conserved in available vertebrate species. In addition, in silico predictors for this gene do not accurately predict pathogenicity. Missense alterations in APC are not a common cause of disease (Spier I et al. Genet Med. 2024 Feb;26(2):100992). Based on the available evidence, the clinical significance of this variant remains unclear.

Color Diagnostics, LLC DBA Color Health
Classification: Uncertain significance for Hereditary cancer-predisposing syndrome. Last evaluated: 2024-03-11. Review status: criteria provided, single submitter. Criteria: ACMG Guidelines, 2015. Collection method: clinical testing. Allele origin: germline.
Comment: This missense variant replaces isoleucine with threonine at codon 2292 of the APC protein. Computational prediction suggests that this variant may not impact protein structure and function (internally defined REVEL score threshold <= 0.5, PMID: 27666373). To our knowledge, functional studies have not been reported for this variant. This variant has not been reported in individuals affected with APC-related disorders in the literature. This variant has been identified in 2/250972 chromosomes in the general population by the Genome Aggregation Database (gnomAD). The available evidence is insufficient to determine the role of this variant in disease conclusively. Therefore, this variant is classified as a Variant of Uncertain Significance.